The following is an entry in ClinVar:

NM_004006.3(DMD):c.6913-1G>C

Gene: DMD (dystrophin; minus strand). Cytogenetic location: Xp21.1.
Variant type: single nucleotide variant.
Coding change: c.6913-1G>C on transcript NM_004006.3 (MANE Select); the canonical splice acceptor site of the intron before coding-DNA position 6913, G replaced by C.
Molecular consequence: splice acceptor variant.
Genome position (GRCh38, 1-based): chrX:31,875,374, C>G on the plus strand (G>C on the coding strand, the complement: DMD is on the minus strand). VCF-style: chrX-31875374-C-G. GRCh37 (hg19) VCF-style: chrX-31893491-C-G.
Other names: c.6889-1G>C (NM_000109.4); c.2890-1G>C (NM_004011.4); c.2881-1G>C (NM_004012.4); c.-468-1G>C (NM_004023.3, NM_004020.4, NM_004022.3 and 2 more transcripts); c.6901-1G>C (NM_004009.3); c.6544-1G>C (NM_004010.3).
Identifiers: ClinVar variation 2865093 (VCV002865093.3), dbSNP rs1603514271, ClinGen allele CA412660277.

ClinVar aggregate classification (germline): Pathogenic (1 of 4 stars; one submission).

Conditions:
Duchenne muscular dystrophy (DMD). Also called: MUSCULAR DYSTROPHY, PSEUDOHYPERTROPHIC PROGRESSIVE, DUCHENNE TYPE; Duchenne Muscular Dystrophy (DMD). Identifiers: Orphanet 98896, MedGen C0013264, MONDO:0010679, OMIM 310200.

Submission:

Labcorp Genetics (formerly Invitae), Labcorp
Classification: Pathogenic for Duchenne muscular dystrophy. Last evaluated: 2023-05-16. Review status: criteria provided, single submitter. Criteria: Invitae Variant Classification Sherloc (09022015). Collection method: clinical testing. Allele origin: germline.
Comment: For these reasons, this variant has been classified as Pathogenic. Algorithms developed to predict the effect of sequence changes on RNA splicing suggest that this variant may disrupt the consensus splice site. Disruption of this splice site has been observed in individual(s) with clinical features of dystrophinopathy (PMID: 23092449). This variant is not present in population databases (gnomAD no frequency). This sequence change affects an acceptor splice site in intron 47 of the DMD gene. It is expected to disrupt RNA splicing. Variants that disrupt the donor or acceptor splice site typically lead to a loss of protein function (PMID: 16199547), and loss-of-function variants in DMD are known to be pathogenic (PMID: 16770791, 25007885).

Literature cited by the submitters: PubMed 23092449; PubMed 16199547; PubMed 16770791; PubMed 25007885.